The following is an entry in ClinVar:

NM_005273.4(GNB2):c.1020C>G (p.Asn340Lys)

Gene: GNB2 (G protein subunit beta 2; plus strand). Cytogenetic location: 7q22.1.
Variant type: single nucleotide variant.
Coding change: c.1020C>G on transcript NM_005273.4 (MANE Select); coding-DNA position 1020, C replaced by G.
Protein change: p.Asn340Lys; replaces asparagine 340 with lysine.
Molecular consequence: missense variant.
Genome position (GRCh38, 1-based): chr7:100,678,798, C>G. VCF-style: chr7-100678798-C-G. GRCh37 (hg19) VCF-style: chr7-100276421-C-G.
Other names: short protein forms N340K.
Identifiers: ClinVar variation 3767484 (VCV003767484.1).

ClinVar aggregate classification (germline): Uncertain significance (1 of 4 stars; one submission).

Submission:

GeneDx
Classification: Uncertain significance. Last evaluated: 2024-09-09. Review status: criteria provided, single submitter. Criteria: GeneDx Variant Classification Process June 2021. Collection method: clinical testing. Allele origin: germline. Affected: yes.
Comment: In silico analysis supports that this missense variant has a deleterious effect on protein structure/function; Not observed at significant frequency in large population cohorts (gnomAD); Has not been previously published as pathogenic or benign to our knowledge